The following is an entry in ClinVar:

NM_001164277.2(SLC37A4):c.1067G>C (p.Ser356Thr)

Gene: SLC37A4 (solute carrier family 37 member 4; minus strand). Cytogenetic location: 11q23.3.
Variant type: single nucleotide variant.
Coding change: c.1067G>C on transcript NM_001164277.2 (MANE Select); coding-DNA position 1067, G replaced by C.
Protein change: p.Ser356Thr; replaces serine 356 with threonine.
Molecular consequence: missense variant.
Genome position (GRCh38, 1-based): chr11:119,025,247, C>G on the plus strand (G>C on the coding strand, the complement: SLC37A4 is on the minus strand). VCF-style: chr11-119025247-C-G. GRCh37 (hg19) VCF-style: chr11-118895957-C-G.
Other names: c.1133G>C, p.Ser378Thr (NM_001164278.2); c.848G>C, p.Ser283Thr (NM_001164279.2); c.1067G>C, p.Ser356Thr (NM_001164280.2, NM_001467.6); c.1067G>C (NM_001467.5); short protein forms S356T, S283T, S378T.
Identifiers: ClinVar variation 199062 (VCV000199062.22), dbSNP rs547488738, ClinGen allele CA203733.

ClinVar aggregate classification (germline): Conflicting classifications of pathogenicity. Review status: criteria provided, conflicting classifications (1 of 4 stars). 7 submissions from 7 submitters: Uncertain significance (1); Benign (2); Likely benign (2). 2 of the submissions do not count toward it. Last evaluated 2026-02-02.

Conditions:
SLC37A4-related disorder. Also called: SLC37A4-related condition.
Inborn genetic diseases. Identifiers: MedGen C0950123, MeSH D030342.
Glucose-6-phosphate transport defect (GSD1B). Also called: GSD Ib; Glycogen Storage Disease Type Ib. Identifiers: Orphanet 364, Orphanet 79259, MedGen C0268146, MONDO:0009288, OMIM 232220.

Allele frequency attached by ClinVar (database versions not stated): gnomAD below 0.00001 and 0.00026; TOPMed 0.00005; gnomAD exomes 0.00051 and 0.00109; ExAC 0.00133; 1000 Genomes Project 30x 0.00312; 1000 Genomes Project 0.00339.

Submissions (7):

Labcorp Genetics (formerly Invitae), Labcorp
Classification: Benign for Glucose-6-phosphate transport defect. Last evaluated: 2026-02-02. Review status: criteria provided, single submitter. Criteria: Invitae Variant Classification Sherloc (09022015). Collection method: clinical testing. Allele origin: germline.

Blueprint Genetics
Classification: Likely benign. Last evaluated: 2024-10-28. Review status: criteria provided, single submitter. Criteria: ACMG Guidelines, 2015. Collection method: clinical testing. Allele origin: germline.

Ambry Genetics
Classification: Uncertain significance for Inborn genetic diseases. Last evaluated: 2022-10-09. Review status: criteria provided, single submitter. Criteria: Ambry Variant Classification Scheme 2023. Collection method: clinical testing. Allele origin: germline.
Comment: The p.S356T variant (also known as c.1067G>C), located in coding exon 7 of the SLC37A4 gene, results from a G to C substitution at nucleotide position 1067. The serine at codon 356 is replaced by threonine, an amino acid with similar properties. This amino acid position is conserved. In addition, the in silico prediction for this alteration is inconclusive. Since supporting evidence is limited at this time, the clinical significance of this alteration remains unclear.

GeneDx
Classification: Likely benign. Last evaluated: 2016-11-11. Review status: criteria provided, single submitter. Criteria: GeneDx Variant Classification (06012015). Collection method: clinical testing. Allele origin: germline. Affected: yes.
Comment: This variant is considered likely benign or benign based on one or more of the following criteria: it is a conservative change, it occurs at a poorly conserved position in the protein, it is predicted to be benign by multiple in silico algorithms, and/or has population frequency not consistent with disease.

Eurofins Ntd Llc (ga)
Classification: Benign. Last evaluated: 2015-02-16. Review status: criteria provided, single submitter. Criteria: EGL Classification Definitions 2015. Collection method: clinical testing. Allele origin: germline. Observed: 1 variant allele, 1 heterozygote.

PreventionGenetics, part of Exact Sciences
Classification: Benign for SLC37A4-related condition. Last evaluated: 2022-08-16. Review status: no assertion criteria provided. Collection method: clinical testing. Allele origin: germline. Not counted in ClinVar's aggregate classification.
Comment: This variant is classified as benign based on ACMG/AMP sequence variant interpretation guidelines (Richards et al. 2015 PMID: 25741868, with internal and published modifications).

Natera, Inc.
Classification: Benign for Glycogen storage disease type Ib. Last evaluated: 2019-12-12. Review status: no assertion criteria provided. Collection method: clinical testing. Allele origin: germline. Not counted in ClinVar's aggregate classification.